The following is an entry in ClinVar:

NM_004563.4(PCK2):c.1688del (p.Glu563fs)

Genes: PCK2 (phosphoenolpyruvate carboxykinase 2, mitochondrial; plus strand), NRL (neural retina leucine zipper; minus strand). Cytogenetic location: 14q12.
Variant type: Deletion.
Coding change: c.1688del on transcript NM_004563.4 (MANE Select); coding-DNA position 1688, one base deleted (A; older notation c.1688delA).
Protein change: p.Glu563fs; shifts the reading frame from glutamic acid 563.
Molecular consequence: frameshift variant. On other transcripts: intron variant (3).
Genome position (GRCh38, 1-based): chr14:24,103,729, A deleted. VCF-style (leftmost placement, unchanged base first): chr14-24103728-GA-G. GRCh37 (hg19) VCF-style: chr14-24572937-GA-G.
Other names: c.1286del, p.Glu429fs (NM_001291556.2, NM_001308054.2); c.-28+10993del (NM_001354768.3, NM_001354770.2); c.-254+10993del (NM_006177.5); short protein forms E429fs, E563fs.
Identifiers: ClinVar variation 2043437 (VCV002043437.4), dbSNP rs747463592, ClinGen allele CA7123600.

ClinVar aggregate classification (germline): Uncertain significance (1 of 4 stars; one submission).

Allele frequency attached by ClinVar (database versions not stated): ExAC 0.00012; gnomAD 0.00031; ESP Exome Variant Server 0.00048; gnomAD exomes 0.00002; TOPMed 0.00029.

Submission:

Labcorp Genetics (formerly Invitae), Labcorp
Classification: Uncertain significance. Last evaluated: 2023-02-28. Review status: criteria provided, single submitter. Criteria: Invitae Variant Classification Sherloc (09022015). Collection method: clinical testing. Allele origin: germline.
Comment: This variant is present in population databases (rs747463592, gnomAD 0.07%), and has an allele count higher than expected for a pathogenic variant. This sequence change creates a premature translational stop signal (p.Glu563Glyfs*28) in the PCK2 gene. While this is not anticipated to result in nonsense mediated decay, it is expected to disrupt the last 78 amino acid(s) of the PCK2 protein. This variant has not been reported in the literature in individuals affected with PCK2-related conditions. In summary, the available evidence is currently insufficient to determine the role of this variant in disease. Therefore, it has been classified as a Variant of Uncertain Significance. Experimental studies and prediction algorithms are not available or were not evaluated, and the functional significance of this variant is currently unknown. ClinVar contains an entry for this variant (Variation ID: 2043437).